The following is an entry in ClinVar:

NM_020207.7(ERCC6L2):c.944T>C (p.Met315Thr)

Gene: ERCC6L2 (ERCC excision repair 6 like 2; plus strand). Cytogenetic location: 9q22.32.
Variant type: single nucleotide variant.
Coding change: c.944T>C on transcript NM_020207.7 (MANE Select); coding-DNA position 944, T replaced by C.
Protein change: p.Met315Thr; replaces methionine 315 with threonine.
Molecular consequence: missense variant. On other transcripts: non-coding transcript variant (1).
Genome position (GRCh38, 1-based): chr9:95,915,823, T>C. VCF-style: chr9-95915823-T-C. GRCh37 (hg19) VCF-style: chr9-98678105-T-C.
Other names: c.944T>C, p.Met315Thr (NM_001010895.4, NM_001375291.1, NM_001375292.1 and 2 more transcripts); short protein forms M315T.
Identifiers: ClinVar variation 4019285 (VCV004019285.1).

ClinVar aggregate classification (germline): Uncertain significance (1 of 4 stars; one submission).

Conditions:
Inborn genetic diseases. Identifiers: MedGen C0950123, MeSH D030342.

Submission:

Ambry Genetics
Classification: Uncertain significance for Inborn genetic diseases. Last evaluated: 2025-04-02. Review status: criteria provided, single submitter. Criteria: Ambry Variant Classification Scheme 2023. Collection method: clinical testing. Allele origin: germline.
Comment: The p.M315T variant (also known as c.944T>C), located in coding exon 5 of the ERCC6L2 gene, results from a T to C substitution at nucleotide position 944. The methionine at codon 315 is replaced by threonine, an amino acid with similar properties. This amino acid position is conserved. In addition, this alteration is predicted to be deleterious by in silico analysis. Based on the available evidence, the clinical significance of this variant remains unclear.